The following is an entry in ClinVar:

ClinVar aggregate classification (germline): Uncertain significance. Review status: criteria provided, multiple submitters, no conflicts (2 of 4 stars). 5 submissions from 5 submitters: Uncertain significance (5). Last evaluated 2025-05-16.

Conditions:
Catecholaminergic polymorphic ventricular tachycardia (CVPT). Also called: Catecholamine-induced polymorphic ventricular tachycardia. Identifiers: Orphanet 3286, MedGen C5574922, MONDO:0017990.
Cardiovascular phenotype. Identifiers: MedGen CN230736.
Catecholaminergic polymorphic ventricular tachycardia 1. Also called: VENTRICULAR TACHYCARDIA, CATECHOLAMINERGIC POLYMORPHIC, 1, WITH OR WITHOUT ATRIAL DYSFUNCTION AND/OR DILATED CARDIOMYOPATHY; RYR2-Related Catecholaminergic Polymorphic Ventricular Tachycardia; VENTRICULAR TACHYCARDIA, STRESS-INDUCED POLYMORPHIC 1. Identifiers: Orphanet 3286, MedGen C1631597, MONDO:0011484, OMIM 604772.
Cardiomyopathy (CMYO). Also called: Cardiomyopathies. Identifiers: Orphanet 167848, MedGen C0878544, MONDO:0004994, HP:0001638. Inheritance: Various modes of inheritance.

Allele frequency attached by ClinVar (database versions not stated): gnomAD exomes below 0.00001.
gnomAD v4.1: 1 of 1,573,704 alleles (0.000064%); highest among the groups gnomAD compares: Non-Finnish European, 0.000087%; no homozygotes.

Submissions (5):

Ambry Genetics
Classification: Uncertain significance for Cardiovascular phenotype. Last evaluated: 2025-05-16. Review status: criteria provided, single submitter. Criteria: Ambry Variant Classification Scheme 2023. Collection method: clinical testing. Allele origin: germline.
Comment: The p.A4442V variant (also known as c.13325C>T), located in coding exon 91 of the RYR2 gene, results from a C to T substitution at nucleotide position 13325. The alanine at codon 4442 is replaced by valine, an amino acid with similar properties. This amino acid position is highly conserved in available vertebrate species. In addition, the in silico prediction for this alteration is inconclusive. Based on the available evidence, the clinical significance of this variant remains unclear.

All of Us Research Program, National Institutes of Health
Classification: Uncertain significance for Catecholaminergic polymorphic ventricular tachycardia. Last evaluated: 2023-12-18. Review status: criteria provided, single submitter. Criteria: ACMG Guidelines, 2015. Collection method: clinical testing. Allele origin: germline. Inheritance: Autosomal dominant inheritance. Observed: 2 variant alleles, 2 heterozygotes.
Comment: This missense variant replaces alanine with valine at codon 4442 of the RYR2 protein. Computational prediction tools and conservation analyses suggest that this variant may have deleterious impact on protein function. Computational splicing tools suggest that this variant may not impact RNA splicing. To our knowledge, functional assays have not been performed for this variant nor has this variant been reported in individuals affected with cardiovascular disorders in the literature. This variant has not been identified in the general population by the Genome Aggregation Database (gnomAD). Available evidence is insufficient to determine the role of this variant in disease conclusively. Therefore, this variant is classified as a Variant of Uncertain Significance.

This study involves interpretation of variants in research participants for the purpose of population health screening. Participant phenotype was not available at the time of variant classification. Additional details can be found in publication PMID: 35346344, PMCID: PMC8962531

Color Diagnostics, LLC DBA Color Health
Classification: Uncertain significance for Cardiomyopathy. Last evaluated: 2023-12-05. Review status: criteria provided, single submitter. Criteria: ACMG Guidelines, 2015. Collection method: clinical testing. Allele origin: germline.
Comment: This missense variant replaces alanine with valine at codon 4442 of the RYR2 protein. Computational prediction tools and conservation analyses suggest that this variant may have deleterious impact on protein function. Computational splicing tools suggest that this variant may not impact RNA splicing. To our knowledge, functional assays have not been performed for this variant nor has this variant been reported in individuals affected with cardiovascular disorders in the literature. This variant has not been identified in the general population by the Genome Aggregation Database (gnomAD). Available evidence is insufficient to determine the role of this variant in disease conclusively. Therefore, this variant is classified as a Variant of Uncertain Significance.

Labcorp Genetics (formerly Invitae), Labcorp
Classification: Uncertain significance for Catecholaminergic polymorphic ventricular tachycardia 1. Last evaluated: 2022-09-25. Review status: criteria provided, single submitter. Criteria: Invitae Variant Classification Sherloc (09022015). Collection method: clinical testing. Allele origin: germline.
Comment: In summary, the available evidence is currently insufficient to determine the role of this variant in disease. Therefore, it has been classified as a Variant of Uncertain Significance. Advanced modeling of protein sequence and biophysical properties (such as structural, functional, and spatial information, amino acid conservation, physicochemical variation, residue mobility, and thermodynamic stability) performed at Invitae indicates that this missense variant is not expected to disrupt RYR2 protein function. ClinVar contains an entry for this variant (Variation ID: 432131). This variant has not been reported in the literature in individuals affected with RYR2-related conditions. This variant is not present in population databases (gnomAD no frequency). This sequence change replaces alanine, which is neutral and non-polar, with valine, which is neutral and non-polar, at codon 4442 of the RYR2 protein (p.Ala4442Val).

GeneDx
Classification: Uncertain significance. Last evaluated: 2018-09-27. Review status: criteria provided, single submitter. Criteria: GeneDx Variant Classification (06012015). Collection method: clinical testing. Allele origin: germline. Affected: yes.
Comment: A variant of uncertain significance has been identified in the RYR2 gene. The A4442V variant has not been published as pathogenic or been reported as benign to our knowledge. The A4442V variant is also not observed in large population cohorts (Lek et al., 2016; 1000 Genomes Consortium et al., 2015; Exome Variant Server). This substitution occurs at a position that is conserved across species and in silico analysis predicts this variant is probably damaging to the protein structure/function. Furthermore, A4442V is located in one of the three hot-spot regions of the RYR2 gene, where the majority of pathogenic missense variants occur (Medeiros-Domingo et al., 2009). Nevertheless, the A4442V variant is a conservative amino acid substitution, which is not likely to impact secondary protein structure as these residues share similar properties. Additionally, this variant has not been observed in a significant number of affected individuals and it lacks both segregation and functional studies which would further clarify its pathogenicity.

NM_001035.3(RYR2):c.13325C>T (p.Ala4442Val)

Gene: RYR2 (ryanodine receptor 2; plus strand). Cytogenetic location: 1q43.
Variant type: single nucleotide variant.
Coding change: c.13325C>T on transcript NM_001035.3 (MANE Select); coding-DNA position 13325, C replaced by T.
Protein change: p.Ala4442Val; replaces alanine 4442 with valine.
Molecular consequence: missense variant.
Genome position (GRCh38, 1-based): chr1:237,786,033, C>T. VCF-style: chr1-237786033-C-T. GRCh37 (hg19) VCF-style: chr1-237949333-C-T.
Other names: c.13325C>T, p.Ala4442Val (LRG_402t1); short protein forms A4442V.
Identifiers: ClinVar variation 432131 (VCV000432131.13), dbSNP rs1553324230, ClinGen allele CA345416002.